The following is an entry in ClinVar:

ClinVar aggregate classification (germline): Likely pathogenic (1 of 4 stars; one submission).

Conditions:
NPHP4-related disorder. Also called: NPHP4-related condition; NPHP4-related disorders. Identifiers: MedGen CN239384.

Submission:

PreventionGenetics, part of Exact Sciences
Classification: Likely pathogenic for NPHP4-related condition. Last evaluated: 2025-05-22. Review status: criteria provided, single submitter. Criteria: ACMG Guidelines, 2015. Collection method: clinical testing. Allele origin: germline.
Comment: The NPHP4 c.1955+2T>C variant is predicted to disrupt the GT donor site and interfere with normal splicing. This variant was reported in an individual with nephronophthisis, but no detail was provided (Hou et al. 2020. PubMed ID: 31980526). Of note, a different nucleotide change affecting the same donor site, defined as c.1955+1G>A, has been reported to be pathogenic for nephronophthisis (see for example, IVS15+1 G>A in Otto et al. 2002. PubMed ID: 12205563; Supplemental Data, König et al. 2022. PubMed ID: 36090483). The c.1955+2T>C variant has not been reported in a large population database (gnomAD), indicating this variant is rare. Variants that disrupt the consensus splice donor site in NPHP4 are expected to be pathogenic. This variant is interpreted as likely pathogenic.

NM_015102.5(NPHP4):c.1955+2T>C

Gene: NPHP4 (nephrocystin 4; minus strand). Cytogenetic location: 1p36.31.
Variant type: single nucleotide variant.
Coding change: c.1955+2T>C on transcript NM_015102.5 (MANE Select); the canonical splice donor site of the intron after coding-DNA position 1955, T replaced by C.
Molecular consequence: splice donor variant.
Genome position (GRCh38, 1-based): chr1:5,905,290, A>G on the plus strand (T>C on the coding strand, the complement: NPHP4 is on the minus strand). VCF-style: chr1-5905290-A-G. GRCh37 (hg19) VCF-style: chr1-5965350-A-G.
Other names: c.419+2T>C (NM_001291594.2); c.416+2T>C (NM_001291593.2).
Identifiers: ClinVar variation 5000117 (VCV005000117.1).